The following is an entry in ClinVar:

ClinVar aggregate classification (germline): Uncertain significance (1 of 4 stars; one submission).

Conditions:
Loeys-Dietz syndrome 2 (LDS2). Also called: TGFBR2-Related Loeys-Dietz Syndrome; Marfan syndrome, type 2 (formerly); Marfan Syndrome type 2; Marfan like connective tissue disorder; MFS 2; AORTIC ANEURYSM, FAMILIAL THORACIC 3. Identifiers: Orphanet 284973, Orphanet 558, MedGen C2674574, MONDO:0012427, OMIM 610168.

Allele frequency attached by ClinVar (database versions not stated): ExAC 0.00002; gnomAD exomes 0.00002 and 0.00003; TOPMed 0.00002; gnomAD 0.00003.
gnomAD v4.1: 53 of 1,612,928 alleles (0.0033%); highest among the groups gnomAD compares: Non-Finnish European, 0.0043%; no homozygotes.

Submission:

Labcorp Genetics (formerly Invitae), Labcorp
Classification: Uncertain significance for Loeys-Dietz syndrome 2. Last evaluated: 2025-08-17. Review status: criteria provided, single submitter. Criteria: Invitae Variant Classification Sherloc (09022015). Collection method: clinical testing. Allele origin: germline.
Comment: This sequence change replaces valine, which is neutral and non-polar, with glutamic acid, which is acidic and polar, at codon 683 of the TMPO protein (p.Val683Glu). This variant is present in population databases (rs767216575, gnomAD 0.004%). This variant has not been reported in the literature in individuals affected with TMPO-related conditions. ClinVar contains an entry for this variant (Variation ID: 239534). Invitae Evidence Modeling of protein sequence and biophysical properties (such as structural, functional, and spatial information, amino acid conservation, physicochemical variation, residue mobility, and thermodynamic stability) indicates that this missense variant is not expected to disrupt TMPO protein function with a negative predictive value of 80%. In summary, the available evidence is currently insufficient to determine the role of this variant in disease. Therefore, it has been classified as a Variant of Uncertain Significance.

NM_001032283.3(TMPO):c.565+2467T>A

Gene: TMPO (thymopoietin; plus strand). Cytogenetic location: 12q23.1.
Variant type: single nucleotide variant.
Coding change: c.565+2467T>A on transcript NM_001032283.3 (MANE Select); 2467 bases into the intron after coding-DNA position 565, T replaced by A.
Molecular consequence: intron variant. On other transcripts: missense variant (1).
Genome position (GRCh38, 1-based): chr12:98,534,305, T>A. VCF-style: chr12-98534305-T-A. GRCh37 (hg19) VCF-style: chr12-98928083-T-A.
Other names: c.2048T>A, p.Val683Glu (NM_003276.2); c.565+2467T>A (NM_001307975.2, NM_001032284.3); short protein forms V683E.
Identifiers: ClinVar variation 239534 (VCV000239534.11), dbSNP rs767216575, ClinGen allele CA6732527.